The following is an entry in ClinVar:

NM_000268.4(NF2):c.810+419G>A

Gene: NF2 (NF2, moesin-ezrin-radixin like (MERLIN) tumor suppressor; plus strand). Cytogenetic location: 22q12.2.
Variant type: single nucleotide variant.
Coding change: c.810+419G>A on transcript NM_000268.4 (MANE Select); 419 bases into the intron after coding-DNA position 810, G replaced by A.
Molecular consequence: intron variant.
Genome position (GRCh38, 1-based): chr22:29,661,758, G>A. VCF-style: chr22-29661758-G-A. GRCh37 (hg19) VCF-style: chr22-30057747-G-A.
Other names: c.810+419G>A (NM_016418.5, NM_181832.3, NM_001407060.1 and 2 more transcripts); c.696+419G>A (NM_001407056.1, NM_001407053.1); c.579+419G>A (NM_001407067.1); c.276+419G>A (NM_001407065.1); c.676-3232G>A (NM_001407059.1, NM_001407057.1); c.447+19473G>A (NM_181833.3); c.687+419G>A (NM_001407058.1, NM_181829.3, NM_001407054.1); c.553-3232G>A (NM_001407062.1); and 2 more.
Identifiers: ClinVar variation 3404989 (VCV003404989.2).

ClinVar aggregate classification (germline): Likely pathogenic (1 of 4 stars; one submission).

Conditions:
Hereditary cancer-predisposing syndrome. Also called: Neoplastic Syndromes, Hereditary; Tumor predisposition; Hereditary Cancer Syndrome; Hereditary neoplastic syndrome. Identifiers: Orphanet 140162, MedGen C0027672, MeSH D009386, MONDO:0015356.

Submission:

Ambry Genetics
Classification: Likely pathogenic for Hereditary cancer-predisposing syndrome. Last evaluated: 2025-01-16. Review status: criteria provided, single submitter. Criteria: Ambry Variant Classification Scheme 2023. Collection method: clinical testing. Allele origin: germline.
Comment: The c.810+419G>A intronic variant results from a G to A substitution 419 nucleotides after coding exon 8 in the NF2 gene. This variant was determined to be de novo in at least one individual with features consistent with NF2-related schwannomatosis (Ambry internal data). This nucleotide position is conserved on limited sequence alignment. In silico splice site analysis predicts that this alteration may result in the creation or strengthening of a novel splice donor site; however, direct evidence is insufficient at this time (Ambry internal data). Based on the majority of available evidence to date, this variant is likely to be pathogenic.